The following is an entry in ClinVar:

ClinVar aggregate classification (germline): Conflicting classifications of pathogenicity. Review status: criteria provided, conflicting classifications (1 of 4 stars). 18 submissions from 14 submitters: Uncertain significance (8); Benign (2); Likely benign (8). Last evaluated 2026-08-01.

Conditions:
Cardiovascular phenotype. Identifiers: MedGen CN230736.
Autosomal recessive limb-girdle muscular dystrophy type 2J (LGMDR10). Also called: MUSCULAR DYSTROPHY, LIMB-GIRDLE, AUTOSOMAL RECESSIVE 10; Limb-girdle muscular dystrophy, type 2J. Identifiers: Orphanet 140922, MedGen C1837342, MONDO:0012127, OMIM 608807.
Dilated cardiomyopathy 1G (CMD1G). Identifiers: Orphanet 154, MedGen C1858763, MONDO:0011400, OMIM 604145.
Cardiomyopathy (CMYO). Also called: Cardiomyopathies. Identifiers: Orphanet 167848, MedGen C0878544, MONDO:0004994, HP:0001638. Inheritance: Various modes of inheritance.
Early-onset myopathy with fatal cardiomyopathy (CMYO5). Also called: CONGENITAL MYOPATHY 5 WITH CARDIOMYOPATHY; Salih Myopathy. Identifiers: Orphanet 289377, MedGen C2673677, MONDO:0012714, OMIM 611705. Disease mechanism: loss of function.
Myopathy, myofibrillar, 9, with early respiratory failure (MFM9). Also called: Myopathy, distal, with early respiratory failure, autosomal dominant; Hereditary myopathy with early respiratory failure; EDSTROM MYOPATHY; MYOPATHY, PROXIMAL, WITH EARLY RESPIRATORY MUSCLE INVOLVEMENT. Identifiers: Orphanet 178464, Orphanet 34521, MedGen C1863599, MONDO:0011362, OMIM 603689.
Tibial muscular dystrophy (TMD). Also called: Tibial muscular dystrophy, tardive; Udd Distal Myopathy – Tibial Muscular Dystrophy; UDD MYOPATHY. Identifiers: Orphanet 609, MedGen C1838244, MONDO:0010870, OMIM 600334.

Allele frequency attached by ClinVar (database versions not stated): ExAC 0.00070; ESP Exome Variant Server 0.00081; 1000 Genomes Project 0.00020; gnomAD exomes 0.00066; 1000 Genomes Project 30x 0.00016; gnomAD 0.00057; TOPMed 0.00059.
gnomAD v4.1: 1,478 of 1,613,770 alleles (0.092%); highest among the groups gnomAD compares: Non-Finnish European, 0.11%; 1 homozygote.

Submissions (18):

CeGaT Center for Human Genetics Tuebingen
Classification: Uncertain significance. Last evaluated: 2026-08-01. Review status: criteria provided, single submitter. Criteria: CeGaT Center For Human Genetics Tuebingen Variant Classification Criteria Version 2. Collection method: clinical testing. Allele origin: germline. Affected: yes. Observed: 6 variant alleles.

Labcorp Genetics (formerly Invitae), Labcorp
Classification: Likely benign for Dilated cardiomyopathy 1G; Autosomal recessive limb-girdle muscular dystrophy type 2J. Last evaluated: 2026-02-03. Review status: criteria provided, single submitter. Criteria: Invitae Variant Classification Sherloc (09022015). Collection method: clinical testing. Allele origin: germline.

Mayo Clinic Laboratories, Mayo Clinic
Classification: Uncertain significance. Last evaluated: 2025-06-24. Review status: criteria provided, single submitter. Criteria: ACMG Guidelines, 2015. Collection method: clinical testing. Allele origin: germline. Observed: 5 variant alleles.
Comment: BP4

Molecular Diagnostic Laboratory for Inherited Cardiovascular Disease, Montreal Heart Institute
Classification: Likely benign. Last evaluated: 2025-04-09. Review status: criteria provided, single submitter. Criteria: ACMG Guidelines, 2015. Collection method: clinical testing. Allele origin: germline. Affected: no.

Blueprint Genetics
Classification: Likely benign. Last evaluated: 2024-11-14. Review status: criteria provided, single submitter. Criteria: ACMG Guidelines, 2015. Collection method: clinical testing. Allele origin: germline.

Women's Health and Genetics/Laboratory Corporation of America, LabCorp
Classification: Likely benign. Last evaluated: 2023-05-23. Review status: criteria provided, single submitter. Criteria: LabCorp Variant Classification Summary - May 2015. Collection method: clinical testing. Allele origin: germline.
Comment: Variant summary: TTN c.95588C>T (p.Thr31863Met) results in a non-conservative amino acid change located in the M-band region of the encoded protein sequence. Three of four in-silico tools predict a damaging effect of the variant on protein function. The variant allele was found at a frequency of 0.00065 in 248856 control chromosomes, predominantly at a frequency of 0.00098 within the Non-Finnish European subpopulation in the gnomAD database. The observed variant frequency within Non-Finnish European control individuals in the gnomAD database is approximately 3-fold of the estimated maximal expected allele frequency for a pathogenic variant in TTN causing Dilated Cardiomyopathy phenotype (0.00039), suggesting that the variant is a benign polymorphism found primarily in populations of Non-Finnish European origin. c.95588C>T has been reported in the literature in settings of multigene panel testing in individuals affected with Dilated Cardiomyopathy, Hypertrophic Cardiomyopathy, and a case of sudden unexplained death, without strong evidence for causality (e.g. Lopes_2013, Campuzano_2015) . These reports do not provide unequivocal conclusions about association of the variant with Dilated Cardiomyopathy. To our knowledge, no experimental evidence demonstrating an impact on protein function has been reported. The following publications have been ascertained in the context of this evaluation (PMID: 26516846, 23396983). Twelve submitters have provided clinical-significance assessments for this variant to ClinVar after 2014 and classified the variant as benign (n=1)/likely benign (n=5) or VUS (n=6). Based on the evidence outlined above, the variant was classified as likely benign.

GeneDx
Classification: Likely benign. Last evaluated: 2020-11-19. Review status: criteria provided, single submitter. Criteria: GeneDx Variant Classification Process June 2021. Collection method: clinical testing. Allele origin: germline. Affected: yes.
Comment: This variant is associated with the following publications: (PMID: 23396983)

Athena Diagnostics
Classification: Likely benign. Last evaluated: 2020-06-26. Review status: criteria provided, single submitter. Criteria: Athena Diagnostics Criteria. Collection method: clinical testing. Allele origin: unknown.

Ambry Genetics
Classification: Likely benign for Cardiovascular phenotype. Last evaluated: 2019-07-31. Review status: criteria provided, single submitter. Criteria: Ambry Variant Classification Scheme 2023. Collection method: clinical testing. Allele origin: germline.

ARUP Laboratories, Molecular Genetics and Genomics, ARUP Laboratories
Classification: Uncertain significance. Last evaluated: 2019-05-11. Review status: criteria provided, single submitter. Criteria: ARUP Molecular Germline Variant Investigation Process. Collection method: clinical testing. Allele origin: germline.
Comment: The TTN c.103292C>T; p.Thr34431Met variant (rs192001910; ClinVar Variation ID: 47658) is rare in the general population (<1% allele frequency in the Genome Aggregation Database) and has not been reported in the medical literature in association with dilated cardiomyopathy (DCM) or other TTN-related disease. The clinical relevance of rare missense variants in this gene, which are identified on average once per individual sequenced in affected populations (Herman 2012), is not well understood. Yet, evidence suggests that the vast majority of such missense variants do not contribute to the clinical outcome of DCM (Begay 2015). Thus, the clinical significance of the p.Thr34431Met variant cannot be determined with certainty. References: Begay RL et al. Role of Titin Missense Variants in Dilated Cardiomyopathy. J Am Heart Assoc. 2015 Nov 13;4(11). Herman DS et al. Truncations of titin causing dilated cardiomyopathy. N Engl J Med. 2012 Feb 16;366(7):619-28. Linke and Hamdani. Gigantic business: titin properties and function through thick and thin. Circ Res 2014; 114(6): 1052-1068.

CHEO Genetics Diagnostic Laboratory, Children's Hospital of Eastern Ontario
Classification: Likely benign for Cardiomyopathy. Last evaluated: 2018-04-26. Review status: criteria provided, single submitter. Criteria: ACMG Guidelines, 2015. Collection method: clinical testing. Allele origin: germline.

Illumina Laboratory Services, Illumina
Classification: Benign for Tibial muscular dystrophy. Last evaluated: 2018-01-13. Review status: criteria provided, single submitter. Criteria: ICSL Variant Classification Criteria 13 December 2019. Collection method: clinical testing. Allele origin: germline.
Comment: This variant was observed in the ICSL laboratory as part of a predisposition screen in an ostensibly healthy population. It had not been previously curated by ICSL or reported in the Human Gene Mutation Database (HGMD: prior to June 1st, 2018), and was therefore a candidate for classification through an automated scoring system. Utilizing variant allele frequency, disease prevalence and penetrance estimates, and inheritance mode, an automated score was calculated to assess if this variant is too frequent to cause the disease. Based on the score and internal cut-off values, a variant classified as benign is not then subjected to further curation. The score for this variant resulted in a classification of benign for this disease.

Illumina Laboratory Services, Illumina
Classification: Benign for Myopathy, myofibrillar, 9, with early respiratory failure. Last evaluated: 2018-01-13. Review status: criteria provided, single submitter. Criteria: ICSL Variant Classification Criteria 13 December 2019. Collection method: clinical testing. Allele origin: germline.
Comment: the same text as in the submission from Illumina Laboratory Services, Illumina above.

Illumina Laboratory Services, Illumina
Classification: Uncertain significance for Dilated cardiomyopathy 1G. Last evaluated: 2018-01-13. Review status: criteria provided, single submitter. Criteria: ICSL Variant Classification Criteria 13 December 2019. Collection method: clinical testing. Allele origin: germline.

Illumina Laboratory Services, Illumina
Classification: Uncertain significance for Early-onset myopathy with fatal cardiomyopathy. Last evaluated: 2018-01-13. Review status: criteria provided, single submitter. Criteria: ICSL Variant Classification Criteria 13 December 2019. Collection method: clinical testing. Allele origin: germline.

Illumina Laboratory Services, Illumina
Classification: Uncertain significance for Autosomal recessive limb-girdle muscular dystrophy type 2J. Last evaluated: 2018-01-13. Review status: criteria provided, single submitter. Criteria: ICSL Variant Classification Criteria 13 December 2019. Collection method: clinical testing. Allele origin: germline.

Eurofins Ntd Llc (ga)
Classification: Uncertain significance. Last evaluated: 2015-11-23. Review status: criteria provided, single submitter. Criteria: EGL Classification Definitions 2015. Collection method: clinical testing. Allele origin: germline. Observed: 3 variant alleles, 3 heterozygotes.

Laboratory for Molecular Medicine, Mass General Brigham Personalized Medicine
Classification: Uncertain significance. Last evaluated: 2015-08-08. Review status: criteria provided, single submitter. Criteria: LMM Criteria. Collection method: clinical testing. Allele origin: germline. Observed: 6 variant alleles.
Comment: Variant classified as Uncertain Significance - Favor Benign. The p.Thr31863Met v ariant in TTN has been identified in 0.1% (70/66688) of European chromosomes and 0.1% (11/11554) of Latino chromosomes by the Exome Aggregation Consortium (ExAC; dbSNP rs192001910). Computational prediction t ools and conservation analysis do not provide strong support for or against an i mpact to the protein. In summary, while the clinical significance of the p.Thr31 863Met variant is uncertain, its frequency suggests that it is more likely to be benign.

Literature cited by the submitters: PubMed 23396983 (cited by 3 submitters); PubMed 26516846 (cited by Mayo Clinic Laboratories, Mayo Clinic and Women's Health and Genetics/Laboratory Corporation of America, LabCorp).

NM_001267550.2(TTN):c.103292C>T (p.Thr34431Met)

Genes: TTN-AS1 (TTN antisense RNA 1; plus strand), TTN (titin; minus strand). Cytogenetic location: 2q31.2.
Variant type: single nucleotide variant.
Coding change: c.103292C>T on transcript NM_001267550.2 (MANE Select); coding-DNA position 103292, C replaced by T.
Protein change: p.Thr34431Met; replaces threonine 34431 with methionine.
Molecular consequence: missense variant.
Genome position (GRCh38, 1-based): chr2:178,533,323, G>A on the plus strand (C>T on the coding strand, the complement: TTN is on the minus strand). VCF-style: chr2-178533323-G-A. GRCh37 (hg19) VCF-style: chr2-179398050-G-A.
Other names: p.T32790M:ACG>ATG; c.98369C>T, p.Thr32790Met (NM_001256850.1); c.76097C>T, p.Thr25366Met (NM_003319.4); c.95588C>T, p.Thr31863Met (NM_133378.4); c.76472C>T, p.Thr25491Met (NM_133432.3); c.76673C>T, p.Thr25558Met (NM_133437.4); short protein forms T34431M, T31863M, T32790M, T25366M, T25491M, T25558M.
Identifiers: ClinVar variation 47658 (VCV000047658.78), dbSNP rs192001910, ClinGen allele CA141626.